The following is an entry in ClinVar:

ClinVar aggregate classification (germline): Likely pathogenic (1 of 4 stars; one submission).

Conditions:
FOXF1-related disorder. Also called: FOXF1-related condition.

Submission:

PreventionGenetics, part of Exact Sciences
Classification: Likely pathogenic for FOXF1-related condition. Last evaluated: 2026-01-15. Review status: criteria provided, single submitter. Criteria: ACMG Guidelines, 2015. Collection method: clinical testing. Allele origin: germline.
Comment: The FOXF1 c.231C>G variant is predicted to result in the amino acid substitution p.Phe77Leu. This variant has been reported as de novo in an individual with pyloric stenosis, gastrectasia, and pulmonary arterial hypertension (Table S2, Fu et al. 2022. PubMed ID: 36307859) and as de novo in a fetus with a large stomach that was diagnosed with alveolar capillary dysplasia with misalignment of pulmonary veins postnatally (Jing et al. 2025. PubMed ID: 40521325). Notably, a different nucleotide change (c.231C>A) that leads to the same amino acid substitution has been reported in a family with variable phenotypic expression including, severe pulmonary hypertension, pulmonary hypertension with an annular pancreas, and partial anomalous pulmonary venous return (Reiter et al. 2016. PubMed ID: 27145217). Parental testing showed the unaffected father was mosaic for the c.231C>A variant (Reiter et al. 2016. PubMed ID: 27145217). This variant has not been reported in a large population database (gnomAD), indicating this variant is rare. This variant is interpreted as likely pathogenic.

NM_001451.3(FOXF1):c.231C>G (p.Phe77Leu)

Gene: FOXF1 (forkhead box F1; plus strand). Cytogenetic location: 16q24.1.
Variant type: single nucleotide variant.
Coding change: c.231C>G on transcript NM_001451.3 (MANE Select); coding-DNA position 231, C replaced by G.
Protein change: p.Phe77Leu; replaces phenylalanine 77 with leucine.
Molecular consequence: missense variant.
Genome position (GRCh38, 1-based): chr16:86,510,800, C>G. VCF-style: chr16-86510800-C-G. GRCh37 (hg19) VCF-style: chr16-86544406-C-G.
Other names: short protein forms F77L.
Identifiers: ClinVar variation 4982508 (VCV004982508.1).
Genomic context (GRCh38, chr16:86,510,800, plus strand): 5'-CGTCATGGCCATCCAGAGTTCACCCACCAAGCGCCTGACGCTGAGCGAGATCTACCAGTT[C>G]CTGCAGAGCCGCTTCCCCTTCTTCCGGGGCTCCTACCAGGGCTGGAAGAACTCCGTGCGC-3'
Protein context (NP_001442.2, residues 67-87): KRLTLSEIYQ[Phe77Leu]LQSRFPFFRG